The following is an entry in ClinVar:

NM_001999.4(FBN2):c.2789G>C (p.Ser930Thr)

Gene: FBN2 (fibrillin 2; minus strand). Cytogenetic location: 5q23.3.
Variant type: single nucleotide variant.
Coding change: c.2789G>C on transcript NM_001999.4 (MANE Select); coding-DNA position 2789, G replaced by C.
Protein change: p.Ser930Thr; replaces serine 930 with threonine.
Molecular consequence: missense variant.
Genome position (GRCh38, 1-based): chr5:128,350,891, C>G on the plus strand (G>C on the coding strand, the complement: FBN2 is on the minus strand). VCF-style: chr5-128350891-C-G. GRCh37 (hg19) VCF-style: chr5-127686583-C-G.
Other names: short protein forms S930T.
Identifiers: ClinVar variation 3774162 (VCV003774162.1).

ClinVar aggregate classification (germline): Uncertain significance (1 of 4 stars; one submission).

gnomAD v4.1: 1 of 1,614,172 alleles (0.000062%); highest among the groups gnomAD compares: South Asian, 0.0011%; no homozygotes.

Submission:

GeneDx
Classification: Uncertain significance. Last evaluated: 2024-09-20. Review status: criteria provided, single submitter. Criteria: GeneDx Variant Classification Process June 2021. Collection method: clinical testing. Allele origin: germline. Affected: yes.
Comment: Not observed at significant frequency in large population cohorts (gnomAD); In silico analysis supports that this missense variant has a deleterious effect on protein structure/function; Has not been previously published as pathogenic or benign to our knowledge